The following is an entry in ClinVar:

ClinVar aggregate classification (germline): Uncertain significance (1 of 4 stars; one submission).

Conditions:
Cardiovascular phenotype. Identifiers: MedGen CN230736.

gnomAD v4.1: 3 of 1,613,276 alleles (0.00019%); highest among the groups gnomAD compares: East Asian, 0.0045%; no homozygotes.

Submission:

Ambry Genetics
Classification: Uncertain significance for Cardiovascular phenotype. Last evaluated: 2024-06-11. Review status: criteria provided, single submitter. Criteria: Ambry Variant Classification Scheme 2023. Collection method: clinical testing. Allele origin: germline.
Comment: The p.Y2662H variant (also known as c.7984T>C), located in coding exon 22 of the TNXB gene, results from a T to C substitution at nucleotide position 7984. The tyrosine at codon 2662 is replaced by histidine, an amino acid with similar properties. This amino acid position is conserved. In addition, the in silico prediction for this alteration is inconclusive. Based on the available evidence, the clinical significance of this variant remains unclear.

NM_001365276.2(TNXB):c.7984T>C (p.Tyr2662His)

Gene: TNXB (tenascin XB; minus strand). Cytogenetic location: 6p21.33.
Variant type: single nucleotide variant.
Coding change: c.7984T>C on transcript NM_001365276.2 (MANE Select); coding-DNA position 7984, T replaced by C.
Protein change: p.Tyr2662His; replaces tyrosine 2662 with histidine.
Molecular consequence: missense variant.
Genome position (GRCh38, 1-based): chr6:32,056,745, A>G on the plus strand (T>C on the coding strand, the complement: TNXB is on the minus strand). VCF-style: chr6-32056745-A-G. GRCh37 (hg19) VCF-style: chr6-32024522-A-G.
Other names: c.7984T>C, p.Tyr2662His (NM_019105.8); short protein forms Y2662H.
Identifiers: ClinVar variation 3327859 (VCV003327859.1).